The following is an entry in ClinVar:

ClinVar aggregate classification (germline): Uncertain significance (1 of 4 stars; one submission).

Submission:

GeneDx
Classification: Uncertain significance. Last evaluated: 2026-03-06. Review status: criteria provided, single submitter. Criteria: GeneDx Variant Classification Process June 2021. Collection method: clinical testing. Allele origin: germline.
Comment: Not observed at significant frequency in large population cohorts (gnomAD); Missense variants in this gene are a common cause of disease and they are underrepresented in the general population; In silico analysis suggests that this missense variant does not alter protein structure/function; Has not been previously published as pathogenic or benign to our knowledge

NM_000166.6(GJB1):c.781G>A (p.Asp261Asn)

Gene: GJB1 (gap junction protein beta 1; plus strand). Cytogenetic location: Xq13.1.
Variant type: single nucleotide variant.
Coding change: c.781G>A on transcript NM_000166.6 (MANE Select); coding-DNA position 781, G replaced by A.
Protein change: p.Asp261Asn; replaces aspartic acid 261 with asparagine.
Molecular consequence: missense variant.
Genome position (GRCh38, 1-based): chrX:71,224,488, G>A. VCF-style: chrX-71224488-G-A. GRCh37 (hg19) VCF-style: chrX-70444338-G-A.
Other names: c.781G>A, p.Asp261Asn (NM_001097642.3, NM_001440770.1); short protein forms D261N.
Identifiers: ClinVar variation 5009995 (VCV005009995.1).